The following is an entry in ClinVar:

NM_000059.4(BRCA2):c.1370del (p.Lys457fs)

Gene: BRCA2 (BRCA2 DNA repair associated; plus strand). Cytogenetic location: 13q13.1.
Variant type: Deletion.
Coding change: c.1370del on transcript NM_000059.4 (MANE Select); coding-DNA position 1370, one base deleted (A; older notation c.1370delA).
Protein change: p.Lys457fs; shifts the reading frame from lysine 457.
Molecular consequence: frameshift variant.
Genome position (GRCh38, 1-based): chr13:32,332,848, A deleted; the last of 2 consecutive A bases (chr13:32,332,847-32,332,848); deleting either gives the same sequence. VCF-style (leftmost placement, unchanged base first): chr13-32332846-GA-G. GRCh37 (hg19) VCF-style: chr13-32906983-GA-G.
Other names: short protein forms K457fs.
Identifiers: ClinVar variation 819012 (VCV000819012.9), dbSNP rs1593892663, ClinGen allele CA915946958.

ClinVar aggregate classification (germline): Pathogenic. Review status: criteria provided, multiple submitters, no conflicts (2 of 4 stars). 2 submissions from 2 submitters: Pathogenic (2). Last evaluated 2022-05-10.

Conditions:
Hereditary breast ovarian cancer syndrome. Also called: Hereditary breast and ovarian cancer syndrome (HBOC); Breast and ovarian cancer; BRCA1- and BRCA2-Associated Hereditary Breast and Ovarian Cancer; Hereditary breast and/or ovarian cancer syndrome; Hereditary breast and ovarian cancer syndrome; Hereditary breast and ovarian cancer. Identifiers: Orphanet 145, MedGen C0677776, MeSH D061325, MONDO:0003582. Disease mechanism: loss of function.
Hereditary cancer-predisposing syndrome. Also called: Tumor predisposition; Hereditary neoplastic syndrome; Neoplastic Syndromes, Hereditary; Hereditary Cancer Syndrome. Identifiers: Orphanet 140162, MedGen C0027672, MeSH D009386, MONDO:0015356.

Submissions (2):

Labcorp Genetics (formerly Invitae), Labcorp
Classification: Pathogenic for Hereditary breast ovarian cancer syndrome. Last evaluated: 2022-05-10. Review status: criteria provided, single submitter. Criteria: Invitae Variant Classification Sherloc (09022015). Collection method: clinical testing. Allele origin: germline.
Comment: For these reasons, this variant has been classified as Pathogenic. ClinVar contains an entry for this variant (Variation ID: 819012). This variant has not been reported in the literature in individuals affected with BRCA2-related conditions. This variant is not present in population databases (gnomAD no frequency). This sequence change creates a premature translational stop signal (p.Lys457Serfs*3) in the BRCA2 gene. It is expected to result in an absent or disrupted protein product. Loss-of-function variants in BRCA2 are known to be pathogenic (PMID: 20104584).

Ambry Genetics
Classification: Pathogenic for Hereditary cancer-predisposing syndrome. Last evaluated: 2019-06-05. Review status: criteria provided, single submitter. Criteria: Ambry Variant Classification Scheme 2023. Collection method: clinical testing. Allele origin: germline.
Comment: The c.1370delA pathogenic mutation, located in coding exon 9 of the BRCA2 gene, results from a deletion of one nucleotide at nucleotide position 1370, causing a translational frameshift with a predicted alternate stop codon (p.K457Sfs*3). This alteration is expected to result in loss of function by premature protein truncation or nonsense-mediated mRNA decay. As such, this alteration is interpreted as a disease-causing mutation.

Literature cited by the submitters: PubMed 20104584 (cited by Labcorp Genetics (formerly Invitae), Labcorp).